The following is an entry in ClinVar:

ClinVar aggregate classification (germline): Uncertain significance. Review status: criteria provided, multiple submitters, no conflicts (2 of 4 stars). 2 submissions from 2 submitters: Uncertain significance (2). Last evaluated 2025-02-10.

Conditions:
Aicardi-Goutieres syndrome 7 (AGS7). Identifiers: Orphanet 51, MedGen C3888244, MONDO:0014367, OMIM 615846.
Singleton-Merten syndrome 1 (SGMRT1). Also called: Widened medullary cavities of bone, aortic calcification, abnormal dentition, and muscular weakness; Syndrome of widened medullary cavities of the metacarpals and phalanges, aortic calcification and abnormal dentition. Identifiers: Orphanet 85191, MedGen C4225427, MONDO:0024535, OMIM 182250.

Allele frequency attached by ClinVar (database versions not stated): TOPMed below 0.00001.
gnomAD v4.1: 1 of 1,611,752 alleles (0.000062%); no homozygotes.

Submissions (2):

Labcorp Genetics (formerly Invitae), Labcorp
Classification: Uncertain significance for Aicardi-Goutieres syndrome 7; Singleton-Merten syndrome 1. Last evaluated: 2025-02-10. Review status: criteria provided, single submitter. Criteria: Invitae Variant Classification Sherloc (09022015). Collection method: clinical testing. Allele origin: germline.
Comment: This sequence change replaces tyrosine, which is neutral and polar, with histidine, which is basic and polar, at codon 385 of the IFIH1 protein (p.Tyr385His). This variant is not present in population databases (gnomAD no frequency). This variant has not been reported in the literature in individuals affected with IFIH1-related conditions. ClinVar contains an entry for this variant (Variation ID: 860770). Invitae Evidence Modeling of protein sequence and biophysical properties (such as structural, functional, and spatial information, amino acid conservation, physicochemical variation, residue mobility, and thermodynamic stability) has been performed for this missense variant. However, the output from this modeling did not meet the statistical confidence thresholds required to predict the impact of this variant on IFIH1 protein function. In summary, the available evidence is currently insufficient to determine the role of this variant in disease. Therefore, it has been classified as a Variant of Uncertain Significance.

Blueprint Genetics
Classification: Uncertain significance. Last evaluated: 2024-09-04. Review status: criteria provided, single submitter. Criteria: ACMG Guidelines, 2015. Collection method: clinical testing. Allele origin: germline.

NM_022168.4(IFIH1):c.1153T>C (p.Tyr385His)

Gene: IFIH1 (interferon induced with helicase C domain 1; minus strand). Cytogenetic location: 2q24.2.
Variant type: single nucleotide variant.
Coding change: c.1153T>C on transcript NM_022168.4 (MANE Select); coding-DNA position 1153, T replaced by C.
Protein change: p.Tyr385His; replaces tyrosine 385 with histidine.
Molecular consequence: missense variant.
Genome position (GRCh38, 1-based): chr2:162,282,519, A>G on the plus strand (T>C on the coding strand, the complement: IFIH1 is on the minus strand). VCF-style: chr2-162282519-A-G. GRCh37 (hg19) VCF-style: chr2-163139029-A-G.
Other names: short protein forms Y385H.
Identifiers: ClinVar variation 860770 (VCV000860770.7), dbSNP rs1682829536, ClinGen allele CA349002990.